The following is an entry in ClinVar:

NM_001458.5(FLNC):c.3621C>T (p.Asn1207=)

Gene: FLNC (filamin C; plus strand). Cytogenetic location: 7q32.1.
Variant type: single nucleotide variant.
Coding change: c.3621C>T on transcript NM_001458.5 (MANE Select); coding-DNA position 3621, C replaced by T.
Protein change: p.Asn1207=; no amino-acid change (asparagine 1207 retained).
Molecular consequence: synonymous variant.
Genome position (GRCh38, 1-based): chr7:128,845,086, C>T. VCF-style: chr7-128845086-C-T. GRCh37 (hg19) VCF-style: chr7-128485140-C-T.
Other names: c.3621C>T, p.Asn1207= (NM_001127487.2).
Identifiers: ClinVar variation 392044 (VCV000392044.25), dbSNP rs117864464, ClinGen allele CA4475086.

ClinVar aggregate classification (germline): Benign/Likely benign. Review status: criteria provided, multiple submitters, no conflicts (2 of 4 stars). 11 submissions from 11 submitters: Benign (6); Likely benign (1). 4 of the submissions do not count toward it. Last evaluated 2026-01-28.

Conditions:
Cardiovascular phenotype. Identifiers: MedGen CN230736.
Cardiomyopathy (CMYO). Also called: Cardiomyopathies. Identifiers: Orphanet 167848, MedGen C0878544, MONDO:0004994, HP:0001638. Inheritance: Various modes of inheritance.
Hypertrophic cardiomyopathy 26. Also called: Cardiomyopathy, familial hypertrophic, 26. Identifiers: Orphanet 75249, MedGen C4310749, MONDO:0014883, OMIM 617047.
Myofibrillar myopathy 5. Also called: Filaminopathy (type); FILAMINOPATHY, AUTOSOMAL DOMINANT. Identifiers: Orphanet 171445, MedGen C1836050, MONDO:0012289, OMIM 609524.
Distal myopathy with posterior leg and anterior hand involvement. Also called: WILLIAMS DISTAL MYOPATHY. Identifiers: Orphanet 63273, MedGen C3279722, MONDO:0013550, OMIM 614065.
FLNC-related disorder. Also called: FLNC-related disorders; FLNC-related condition.

Allele frequency attached by ClinVar (database versions not stated): gnomAD 0.00063 and 0.00094; TOPMed 0.00130; gnomAD exomes 0.00226; ExAC 0.00245; 1000 Genomes Project 30x 0.00390; 1000 Genomes Project 0.00399.
gnomAD v4.1: 1,524 of 1,613,872 alleles (0.094%); highest among the groups gnomAD compares: East Asian, 3.1%; 24 homozygotes.

Submissions (11):

Labcorp Genetics (formerly Invitae), Labcorp
Classification: Benign for Distal myopathy with posterior leg and anterior hand involvement; Myofibrillar myopathy 5; Hypertrophic cardiomyopathy 26. Last evaluated: 2026-01-28. Review status: criteria provided, single submitter. Criteria: Invitae Variant Classification Sherloc (09022015). Collection method: clinical testing. Allele origin: germline.

Molecular Diagnostic Laboratory for Inherited Cardiovascular Disease, Montreal Heart Institute
Classification: Benign. Last evaluated: 2025-04-09. Review status: criteria provided, single submitter. Criteria: ACMG Guidelines, 2015. Collection method: clinical testing. Allele origin: germline. Affected: no.
Comment: BS1;BP7

Blueprint Genetics
Classification: Likely benign. Last evaluated: 2024-11-11. Review status: criteria provided, single submitter. Criteria: ACMG Guidelines, 2015. Collection method: clinical testing. Allele origin: germline.

Women's Health and Genetics/Laboratory Corporation of America, LabCorp
Classification: Benign. Last evaluated: 2023-11-20. Review status: criteria provided, single submitter. Criteria: LabCorp Variant Classification Summary - May 2015. Collection method: clinical testing. Allele origin: germline.

CHEO Genetics Diagnostic Laboratory, Children's Hospital of Eastern Ontario
Classification: Benign for Cardiomyopathy. Last evaluated: 2022-11-10. Review status: criteria provided, single submitter. Criteria: ACMG Guidelines, 2015. Collection method: clinical testing. Allele origin: germline.

Ambry Genetics
Classification: Benign for Cardiovascular phenotype. Last evaluated: 2019-01-28. Review status: criteria provided, single submitter. Criteria: Ambry Variant Classification Scheme 2023. Collection method: clinical testing. Allele origin: germline.

GeneDx
Classification: Benign. Last evaluated: 2018-03-22. Review status: criteria provided, single submitter. Criteria: GeneDx Variant Classification Process June 2021. Collection method: clinical testing. Allele origin: germline. Affected: yes.

PreventionGenetics, part of Exact Sciences
Classification: Benign for FLNC-related condition. Last evaluated: 2019-04-08. Review status: no assertion criteria provided. Collection method: clinical testing. Allele origin: germline. Not counted in ClinVar's aggregate classification.
Comment: This variant is classified as benign based on ACMG/AMP sequence variant interpretation guidelines (Richards et al. 2015 PMID: 25741868, with internal and published modifications).

Clinical Genetics DNA and cytogenetics Diagnostics Lab, Erasmus MC, Erasmus Medical Center
Classification: Benign. Review status: no assertion criteria provided. Collection method: clinical testing. Allele origin: germline. Affected: yes. Study: VKGL Data-share Consensus. Not counted in ClinVar's aggregate classification.

Clinical Genetics, Academic Medical Center
Classification: Benign. Review status: no assertion criteria provided. Collection method: clinical testing. Allele origin: germline. Affected: yes. Study: VKGL Data-share Consensus. Not counted in ClinVar's aggregate classification.

Genome Diagnostics Laboratory, University Medical Center Utrecht
Classification: Benign. Review status: no assertion criteria provided. Collection method: clinical testing. Allele origin: germline. Affected: yes. Study: VKGL Data-share Consensus. Not counted in ClinVar's aggregate classification.